The following is an entry in ClinVar:

ClinVar aggregate classification (germline): Uncertain significance (1 of 4 stars; one submission).

Conditions:
Hereditary cancer-predisposing syndrome. Also called: Hereditary neoplastic syndrome; Hereditary Cancer Syndrome; Neoplastic Syndromes, Hereditary; Tumor predisposition. Identifiers: Orphanet 140162, MedGen C0027672, MeSH D009386, MONDO:0015356.

Submission:

Ambry Genetics
Classification: Uncertain significance for Hereditary cancer-predisposing syndrome. Last evaluated: 2023-05-08. Review status: criteria provided, single submitter. Criteria: Ambry Variant Classification Scheme 2023. Collection method: clinical testing. Allele origin: germline.
Comment: The p.T57A variant (also known as c.169A>G), located in coding exon 2 of the BLM gene, results from an A to G substitution at nucleotide position 169. The threonine at codon 57 is replaced by alanine, an amino acid with similar properties. This amino acid position is conserved. In addition, this alteration is predicted to be tolerated by in silico analysis. Since supporting evidence is limited at this time, the clinical significance of this alteration remains unclear.

NM_000057.4(BLM):c.169A>G (p.Thr57Ala)

Gene: BLM (BLM RecQ like helicase; plus strand). Cytogenetic location: 15q26.1.
Variant type: single nucleotide variant.
Coding change: c.169A>G on transcript NM_000057.4 (MANE Select); coding-DNA position 169, A replaced by G.
Protein change: p.Thr57Ala; replaces threonine 57 with alanine.
Molecular consequence: missense variant. On other transcripts: 5 prime UTR variant (1).
Genome position (GRCh38, 1-based): chr15:90,749,437, A>G. VCF-style: chr15-90749437-A-G. GRCh37 (hg19) VCF-style: chr15-91292667-A-G.
Other names: c.169A>G, p.Thr57Ala (NM_001287246.2, NM_001287247.2); c.-1123A>G (NM_001287248.2); short protein forms T57A.
Identifiers: ClinVar variation 2566833 (VCV002566833.2), dbSNP rs2505390447, ClinGen allele CA393839548.